The following is an entry in ClinVar:

ClinVar aggregate classification (germline): Conflicting classifications of pathogenicity. Review status: criteria provided, conflicting classifications (1 of 4 stars). 9 submissions from 8 submitters: Uncertain significance (4); Likely benign (4). 1 of the submissions does not count toward it. Last evaluated 2026-08-01.

Conditions:
Schwartz-Jampel syndrome. Also called: Myotonic myopathy dwarfism chondrodystrophy and ocular and facial abnormalities. Identifiers: Orphanet 800, MedGen C0036391, MONDO:0009717.
Lethal Kniest-like syndrome (DDSH). Also called: Dyssegmental Dysplasia. Identifiers: Orphanet 1865, MedGen C1857100, MONDO:0009140, OMIM 224410.
HSPG2-related disorder. Also called: HSPG2-related condition; HSPG2-related disorders.

Allele frequency attached by ClinVar (database versions not stated): 1000 Genomes Project 0.00020; 1000 Genomes Project 30x 0.00016; gnomAD exomes 0.00016 and 0.00019; ExAC 0.00018; ESP Exome Variant Server 0.00023; gnomAD 0.00023; TOPMed 0.00026.
gnomAD v4.1: 308 of 1,613,558 alleles (0.019%); highest among the groups gnomAD compares: Middle Eastern, 0.082%; no homozygotes.

Submissions (9):

CeGaT Center for Human Genetics Tuebingen
Classification: Likely benign. Last evaluated: 2026-08-01. Review status: criteria provided, single submitter. Criteria: CeGaT Center For Human Genetics Tuebingen Variant Classification Criteria Version 2. Collection method: clinical testing. Allele origin: germline. Affected: yes. Observed: 2 variant alleles.
Comment: HSPG2: BP4, BP7

Labcorp Genetics (formerly Invitae), Labcorp
Classification: Likely benign. Last evaluated: 2025-12-26. Review status: criteria provided, single submitter. Criteria: Invitae Variant Classification Sherloc (09022015). Collection method: clinical testing. Allele origin: germline.

Blueprint Genetics
Classification: Likely benign. Last evaluated: 2024-09-20. Review status: criteria provided, single submitter. Criteria: ACMG Guidelines, 2015. Collection method: clinical testing. Allele origin: germline.

AiLife Diagnostics
Classification: Uncertain significance. Last evaluated: 2020-07-08. Review status: criteria provided, single submitter. Criteria: ACMG Guidelines, 2015. Collection method: clinical testing. Allele origin: germline. Affected: yes. Observed: 1 variant allele.

ARUP Laboratories, Molecular Genetics and Genomics, ARUP Laboratories
Classification: Likely benign. Last evaluated: 2018-11-13. Review status: criteria provided, single submitter. Criteria: ARUP Molecular Germline Variant Investigation Process. Collection method: clinical testing. Allele origin: germline.

Illumina Laboratory Services, Illumina
Classification: Uncertain significance for Schwartz-Jampel syndrome type 1. Last evaluated: 2018-01-13. Review status: criteria provided, single submitter. Criteria: ICSL Variant Classification Criteria 13 December 2019. Collection method: clinical testing. Allele origin: germline.

Illumina Laboratory Services, Illumina
Classification: Uncertain significance for Lethal Kniest-like syndrome. Last evaluated: 2018-01-13. Review status: criteria provided, single submitter. Criteria: ICSL Variant Classification Criteria 13 December 2019. Collection method: clinical testing. Allele origin: germline.

Eurofins Ntd Llc (ga)
Classification: Uncertain significance. Last evaluated: 2016-12-02. Review status: criteria provided, single submitter. Criteria: EGL Classification Definitions 2015. Collection method: clinical testing. Allele origin: germline. Observed: 1 variant allele, 1 heterozygote.

PreventionGenetics, part of Exact Sciences
Classification: Likely benign for HSPG2-related condition. Last evaluated: 2019-09-17. Review status: no assertion criteria provided. Collection method: clinical testing. Allele origin: germline. Not counted in ClinVar's aggregate classification.
Comment: This variant is classified as likely benign based on ACMG/AMP sequence variant interpretation guidelines (Richards et al. 2015 PMID: 25741868, with internal and published modifications).

NM_005529.7(HSPG2):c.4971C>T (p.Tyr1657=)

Gene: HSPG2 (heparan sulfate proteoglycan 2; minus strand). Cytogenetic location: 1p36.12.
Variant type: single nucleotide variant.
Coding change: c.4971C>T on transcript NM_005529.7 (MANE Select); coding-DNA position 4971, C replaced by T.
Protein change: p.Tyr1657=; no amino-acid change (tyrosine 1657 retained).
Molecular consequence: synonymous variant.
Genome position (GRCh38, 1-based): chr1:21,860,220, G>A on the plus strand (C>T on the coding strand, the complement: HSPG2 is on the minus strand). VCF-style: chr1-21860220-G-A. GRCh37 (hg19) VCF-style: chr1-22186713-G-A.
Other names: c.4974C>T, p.Tyr1658= (NM_001291860.2); c.4971C>T (NM_005529.6).
Identifiers: ClinVar variation 498644 (VCV000498644.32), dbSNP rs138459752, ClinGen allele CA672092.